The following is an entry in ClinVar:

ClinVar aggregate classification (germline): Uncertain significance. Review status: criteria provided, multiple submitters, no conflicts (2 of 4 stars). 2 submissions from 2 submitters: Uncertain significance (2). Last evaluated 2025-08-11.

Conditions:
Hyperaldosteronism, familial, type IV (HALD4). Also called: FH IV; ALDOSTERONISM, PRIMARY, AND HYPERTENSION. Identifiers: Orphanet 642671, MedGen C4310756, MONDO:0014875, OMIM 617027.
Idiopathic generalized epilepsy. Also called: Generalised epilepsy; EIG. Identifiers: MedGen C0270850, MONDO:0005579, OMIM 600669.
Inborn genetic diseases. Identifiers: MedGen C0950123, MeSH D030342.

gnomAD v4.1: 1 of 1,549,366 alleles (0.000065%); highest among the groups gnomAD compares: Non-Finnish European, 0.000087%; no homozygotes.

Submissions (2):

Labcorp Genetics (formerly Invitae), Labcorp
Classification: Uncertain significance for Idiopathic generalized epilepsy; Hyperaldosteronism, familial, type IV. Last evaluated: 2025-08-11. Review status: criteria provided, single submitter. Criteria: Invitae Variant Classification Sherloc (09022015). Collection method: clinical testing. Allele origin: germline.
Comment: This sequence change replaces proline, which is neutral and non-polar, with serine, which is neutral and polar, at codon 2000 of the CACNA1H protein (p.Pro2000Ser). This variant is not present in population databases (gnomAD no frequency). This variant has not been reported in the literature in individuals affected with CACNA1H-related conditions. ClinVar contains an entry for this variant (Variation ID: 3758438). Invitae Evidence Modeling of protein sequence and biophysical properties (such as structural, functional, and spatial information, amino acid conservation, physicochemical variation, residue mobility, and thermodynamic stability) indicates that this missense variant is not expected to disrupt CACNA1H protein function with a negative predictive value of 80%. In summary, the available evidence is currently insufficient to determine the role of this variant in disease. Therefore, it has been classified as a Variant of Uncertain Significance.

Ambry Genetics
Classification: Uncertain significance for Inborn genetic diseases. Last evaluated: 2025-04-25. Review status: criteria provided, single submitter. Criteria: Ambry Variant Classification Scheme 2023. Collection method: clinical testing. Allele origin: germline.

NM_021098.3(CACNA1H):c.5998C>T (p.Pro2000Ser)

Gene: CACNA1H (calcium voltage-gated channel subunit alpha1 H; plus strand). Cytogenetic location: 16p13.3.
Variant type: single nucleotide variant.
Coding change: c.5998C>T on transcript NM_021098.3 (MANE Select); coding-DNA position 5998, C replaced by T.
Protein change: p.Pro2000Ser; replaces proline 2000 with serine.
Molecular consequence: missense variant.
Genome position (GRCh38, 1-based): chr16:1,219,080, C>T. VCF-style: chr16-1219080-C-T. GRCh37 (hg19) VCF-style: chr16-1269080-C-T.
Other names: c.5998C>T (NM_021098.2); c.5980C>T, p.Pro1994Ser (NM_001005407.2); short protein forms P1994S, P2000S.
Identifiers: ClinVar variation 3758438 (VCV003758438.3).